The following is an entry in ClinVar:

ClinVar aggregate classification (germline): Uncertain significance (1 of 4 stars; one submission).

gnomAD v4.1: 1 of 1,613,102 alleles (0.000062%); highest among the groups gnomAD compares: Admixed American, 0.0017%; no homozygotes.

Submission:

Labcorp Genetics (formerly Invitae), Labcorp
Classification: Uncertain significance. Last evaluated: 2021-05-14. Review status: criteria provided, single submitter. Criteria: Invitae Variant Classification Sherloc (09022015). Collection method: clinical testing. Allele origin: germline.
Comment: This sequence change replaces proline with serine at codon 741 of the AGBL5 protein (p.Pro741Ser). The proline residue is moderately conserved and there is a moderate physicochemical difference between proline and serine. This variant is not present in population databases (ExAC no frequency). This variant has not been reported in the literature in individuals with AGBL5-related conditions. Algorithms developed to predict the effect of missense changes on protein structure and function output the following: SIFT: "Deleterious"; PolyPhen-2: "Benign"; Align-GVGD: "Class C0". The serine amino acid residue is found in multiple mammalian species, suggesting that this missense change does not adversely affect protein function. These predictions have not been confirmed by published functional studies and their clinical significance is uncertain. In summary, the available evidence is currently insufficient to determine the role of this variant in disease. Therefore, it has been classified as a Variant of Uncertain Significance.

NM_021831.6(AGBL5):c.2221C>T (p.Pro741Ser)

Gene: AGBL5 (AGBL carboxypeptidase 5; plus strand). Cytogenetic location: 2p23.3.
Variant type: single nucleotide variant.
Coding change: c.2221C>T on transcript NM_021831.6 (MANE Select); coding-DNA position 2221, C replaced by T.
Protein change: p.Pro741Ser; replaces proline 741 with serine.
Molecular consequence: missense variant. On other transcripts: non-coding transcript variant (2).
Genome position (GRCh38, 1-based): chr2:27,067,625, C>T. VCF-style: chr2-27067625-C-T. GRCh37 (hg19) VCF-style: chr2-27290493-C-T.
Other names: short protein forms P741S.
Identifiers: ClinVar variation 1491056 (VCV001491056.8), dbSNP rs2148303705, ClinGen allele CA346140928.